The following is an entry in ClinVar:

ClinVar aggregate classification (germline): Likely benign (1 of 4 stars; one submission).

Submission:

CeGaT Center for Human Genetics Tuebingen
Classification: Likely benign. Last evaluated: 2026-04-01. Review status: criteria provided, single submitter. Criteria: CeGaT Center For Human Genetics Tuebingen Variant Classification Criteria Version 2. Collection method: clinical testing. Allele origin: germline. Affected: yes. Observed: 1 variant allele.
Comment: GPRC5B: PM4:Supporting, BS1

NM_016235.3(GPRC5B):c.263AGA[2] (p.Lys90del)

Gene: GPRC5B (G protein-coupled receptor class C group 5 member B; minus strand). Cytogenetic location: 16p12.3.
Variant type: Microsatellite.
Coding change: c.263AGA[2] on transcript NM_016235.3 (MANE Select); two copies in a row of the 3-base unit AGA starting at c.263; the reference has three copies in a row; one copy, 3 bases deleted.
Protein change: p.Lys90del; deletes lysine 90.
Molecular consequence: inframe deletion.
Genome position (GRCh38, 1-based): chr16:19,872,575-19,872,577, TCT deleted on the plus strand (AGA on the coding strand, the reverse complement: GPRC5B is on the minus strand); deleting any 3 consecutive bases within chr16:19,872,575-19,872,583 gives the same sequence; the position shown is the placement nearest the transcript's 3' end. VCF-style (leftmost placement, unchanged base first): chr16-19872574-CTCT-C. GRCh37 (hg19) VCF-style: chr16-19883896-CTCT-C.
Other names: c.656AGA[2], p.Lys221del (NM_001304771.1); short protein forms K221del, K90del.
Identifiers: ClinVar variation 4873293 (VCV004873293.2).
Genomic context (GRCh38, chr16:19,872,574, plus strand): 5'-AACGTCAGCCCAAAGAGGCCCAGGGTCCCCAGGAGGAACAGAAAGTGGAGGCCCACAGGG[CTCT>C]TCTTCTCCTTCTCCTTGATGAAGGGCAGCCGCACCAGGAGGATGAGCATCAGGAGCAGTG-3'